The following is an entry in ClinVar:

NM_000088.4(COL1A1):c.3535C>A (p.Pro1179Thr)

Gene: COL1A1 (collagen type I alpha 1 chain; minus strand). Cytogenetic location: 17q21.33.
Variant type: single nucleotide variant.
Coding change: c.3535C>A on transcript NM_000088.4 (MANE Select); coding-DNA position 3535, C replaced by A.
Protein change: p.Pro1179Thr; replaces proline 1179 with threonine.
Molecular consequence: missense variant.
Genome position (GRCh38, 1-based): chr17:50,186,919, G>T on the plus strand (C>A on the coding strand, the complement: COL1A1 is on the minus strand). VCF-style: chr17-50186919-G-T. GRCh37 (hg19) VCF-style: chr17-48264280-G-T.
Other names: short protein forms P1179T.
Identifiers: ClinVar variation 1376964 (VCV001376964.8), dbSNP rs779767483, ClinGen allele CA400198397.

ClinVar aggregate classification (germline): Uncertain significance (1 of 4 stars; one submission).

Conditions:
Osteogenesis imperfecta type I (OI1). Also called: Lobstein disease; Osteogenesis imperfecta type 1; Lobstein's Disease; OI, TYPE I; OSTEOGENESIS IMPERFECTA TARDA; OSTEOGENESIS IMPERFECTA WITH BLUE SCLERAE. Identifiers: Orphanet 216796, Orphanet 666, MedGen C0023931, MONDO:0008146, OMIM 166200. Disease mechanism: loss of function.

Allele frequency attached by ClinVar (database versions not stated): gnomAD 0.00002.
gnomAD v4.1: 7 of 1,613,664 alleles (0.00043%); highest among the groups gnomAD compares: Admixed American, 0.012%; no homozygotes.

Submission:

Labcorp Genetics (formerly Invitae), Labcorp
Classification: Uncertain significance for Osteogenesis imperfecta type I. Last evaluated: 2022-11-08. Review status: criteria provided, single submitter. Criteria: Invitae Variant Classification Sherloc (09022015). Collection method: clinical testing. Allele origin: germline.
Comment: In summary, the available evidence is currently insufficient to determine the role of this variant in disease. Therefore, it has been classified as a Variant of Uncertain Significance. Advanced modeling of protein sequence and biophysical properties (such as structural, functional, and spatial information, amino acid conservation, physicochemical variation, residue mobility, and thermodynamic stability) performed at Invitae indicates that this missense variant is expected to disrupt COL1A1 protein function. ClinVar contains an entry for this variant (Variation ID: 1376964). This variant has not been reported in the literature in individuals affected with COL1A1-related conditions. This variant is present in population databases (no rsID available, gnomAD 0.01%). This sequence change replaces proline, which is neutral and non-polar, with threonine, which is neutral and polar, at codon 1179 of the COL1A1 protein (p.Pro1179Thr).